The following is an entry in ClinVar:

ClinVar aggregate classification (germline): Conflicting classifications of pathogenicity. Review status: criteria provided, conflicting classifications (1 of 4 stars). 3 submissions from 3 submitters: Uncertain significance (2); Likely benign (1). Last evaluated 2025-04-04.

Allele frequency attached by ClinVar (database versions not stated): gnomAD exomes below 0.00001 and 0.00001; TOPMed below 0.00001; ExAC 0.00001.
gnomAD v4.1: 13 of 1,613,750 alleles (0.00081%); highest among the groups gnomAD compares: Non-Finnish European, 0.0011%; no homozygotes.

Submissions (3):

Mayo Clinic Laboratories, Mayo Clinic
Classification: Uncertain significance. Last evaluated: 2025-04-04. Review status: criteria provided, single submitter. Criteria: ACMG Guidelines, 2015. Collection method: clinical testing. Allele origin: germline. Observed: 1 variant allele.
Comment: PM2_supporting

Blueprint Genetics
Classification: Likely benign. Last evaluated: 2024-08-02. Review status: criteria provided, single submitter. Criteria: ACMG Guidelines, 2015. Collection method: clinical testing. Allele origin: germline.

GeneDx
Classification: Uncertain significance. Last evaluated: 2014-11-18. Review status: criteria provided, single submitter. Criteria: GeneDx Variant Classification (06012015). Collection method: clinical testing. Allele origin: germline. Affected: yes.
Comment: Missense variants in the TTN gene are considered 'unclassified' if they are not previously reported in the literature and do not have >1% frequency in the population to be considered a polymorphism. Research indicates that truncating mutations in the TTN gene are expected to account for approximately 25% of familial and 18% of sporadic idiopathic DCM; however, truncating variants in the TTN gene have been reported in approximately 3% of reported control alleles. There has been little investigation into non-truncating variants. (Herman D et al. Truncations of titin causing dilated cardiomyopathy. N Eng J Med 366:619-628, 2012) The variant is found in DCM-CRDM panel(s).

NM_001267550.2(TTN):c.24017G>A (p.Cys8006Tyr)

Gene: TTN (titin; minus strand). Cytogenetic location: 2q31.2.
Variant type: single nucleotide variant.
Coding change: c.24017G>A on transcript NM_001267550.2 (MANE Select); coding-DNA position 24017, G replaced by A.
Protein change: p.Cys8006Tyr; replaces cysteine 8006 with tyrosine.
Molecular consequence: missense variant. On other transcripts: intron variant (3).
Genome position (GRCh38, 1-based): chr2:178,719,373, C>T on the plus strand (G>A on the coding strand, the complement: TTN is on the minus strand). VCF-style: chr2-178719373-C-T. GRCh37 (hg19) VCF-style: chr2-179584100-C-T.
Other names: p.C7689Y:TGC>TAC; p.Cys7689Tyr; c.23066G>A, p.Cys7689Tyr (NM_001256850.1); c.20285G>A, p.Cys6762Tyr (NM_133378.4); c.13282+18709G>A (NM_003319.4); c.13858+18709G>A (NM_133437.4); c.13657+18709G>A (NM_133432.3); short protein forms C7689Y, C8006Y, C6762Y.
Identifiers: ClinVar variation 203328 (VCV000203328.4), dbSNP rs764282358, ClinGen allele CA312052.